The following is an entry in ClinVar:

NM_014714.4(IFT140):c.2966G>C (p.Arg989Pro)

Genes: IFT140 (intraflagellar transport 140; minus strand), LOC126862260 (CDK7 strongly-dependent group 2 enhancer GRCh37_chr16:1574508-1575707; plus strand). Cytogenetic location: 16p13.3.
Variant type: single nucleotide variant.
Coding change: c.2966G>C on transcript NM_014714.4 (MANE Select); coding-DNA position 2966, G replaced by C.
Protein change: p.Arg989Pro; replaces arginine 989 with proline.
Molecular consequence: missense variant.
Genome position (GRCh38, 1-based): chr16:1,524,815, C>G on the plus strand (G>C on the coding strand, the complement: IFT140 is on the minus strand). VCF-style: chr16-1524815-C-G. GRCh37 (hg19) VCF-style: chr16-1574816-C-G.
Other names: short protein forms R989P.
Identifiers: ClinVar variation 2195879 (VCV002195879.4), dbSNP rs764492842, ClinGen allele CA394226310.
Genomic context (GRCh38, chr16:1,524,815, plus strand): 5'-CCTGGCCGGCTCCCCTGCGGGGACCTTACCTTCTGGACATTGCCCTGGAAGCAGTGGATG[C>G]GGACCAGGGAGAAGTGGTCCCGGGCCAGCTCGTAGTAGTGCAGCGCGGCGTCCATCTCGC-3'
Protein context (NP_055529.2, residues 979-999): ELARDHFSLV[Arg989Pro]IHCFQGNVQK

ClinVar aggregate classification (germline): Uncertain significance (1 of 4 stars; one submission).

Conditions:
Saldino-Mainzer syndrome (SRTD9). Also called: short-rib thoracic dysplasia 9 with or without polydactyly; CONORENAL SYNDROME; Renal dysplasia, retinal pigmentary dystrophy, cerebellar ataxia and skeletal dysplasia; SHORT-RIB THORACIC DYSPLASIA 9 WITHOUT POLYDACTYLY. Identifiers: Orphanet 140969, MedGen C1849437, MONDO:0009964, OMIM 266920.

Submission:

Labcorp Genetics (formerly Invitae), Labcorp
Classification: Uncertain significance for Saldino-Mainzer syndrome. Last evaluated: 2023-11-06. Review status: criteria provided, single submitter. Criteria: Invitae Variant Classification Sherloc (09022015). Collection method: clinical testing. Allele origin: germline.
Comment: This sequence change replaces arginine, which is basic and polar, with proline, which is neutral and non-polar, at codon 989 of the IFT140 protein (p.Arg989Pro). This variant is not present in population databases (gnomAD no frequency). This variant has not been reported in the literature in individuals affected with IFT140-related conditions. ClinVar contains an entry for this variant (Variation ID: 2195879). Advanced modeling of protein sequence and biophysical properties (such as structural, functional, and spatial information, amino acid conservation, physicochemical variation, residue mobility, and thermodynamic stability) performed at Invitae indicates that this missense variant is expected to disrupt IFT140 protein function with a positive predictive value of 80%. In summary, the available evidence is currently insufficient to determine the role of this variant in disease. Therefore, it has been classified as a Variant of Uncertain Significance.